The following is an entry in ClinVar:

ClinVar aggregate classification (germline): Uncertain significance (1 of 4 stars; one submission).

Conditions:
Hereditary sensory and autonomic neuropathy type 6. Also called: Neuropathy, hereditary sensory and autonomic, type VI; HSAN VI. Identifiers: Orphanet 314381, MedGen C3539003, MONDO:0013839, OMIM 614653.
Epidermolysis bullosa simplex 3, localized or generalized intermediate, with BP230 deficiency (EBS3). Also called: Epidermolysis bullosa simplex due to BP230 deficiency; Epidermolysis bullosa simplex, autosomal recessive 2. Identifiers: Orphanet 412181, MedGen C3809470, MONDO:0014180, OMIM 615425.

gnomAD v4.1: 1 of 1,613,904 alleles (0.000062%); highest among the groups gnomAD compares: Middle Eastern, 0.017%; no homozygotes.

Submission:

Labcorp Genetics (formerly Invitae), Labcorp
Classification: Uncertain significance for Epidermolysis bullosa simplex 3, localized or generalized intermediate, with BP230 deficiency; Hereditary sensory and autonomic neuropathy type 6. Last evaluated: 2021-05-31. Review status: criteria provided, single submitter. Criteria: Invitae Variant Classification Sherloc (09022015). Collection method: clinical testing. Allele origin: germline.
Comment: This variant has not been reported in the literature in individuals with DST-related conditions. This variant is not present in population databases (ExAC no frequency). This sequence change replaces glutamic acid with lysine at codon 1511 of the DST protein (p.Glu1511Lys). The DST gene has multiple clinically relevant transcripts. This variant occurs in alternate transcript NM_015548.4, and corresponds to NM_001723.5:c.*21528G>A in the primary transcript. Experimental studies and prediction algorithms are not available or were not evaluated, and the functional significance of this variant is currently unknown. In summary, the available evidence is currently insufficient to determine the role of this variant in disease. Therefore, it has been classified as a Variant of Uncertain Significance.

NM_001374736.1(DST):c.12400G>A (p.Glu4134Lys)

Genes: DST (dystonin; minus strand), LOC129996656 (ATAC-STARR-seq lymphoblastoid active region 24702; plus strand). Cytogenetic location: 6p12.1.
Variant type: single nucleotide variant.
Coding change: c.12400G>A on transcript NM_001374736.1 (MANE Select); coding-DNA position 12400, G replaced by A.
Protein change: p.Glu4134Lys; replaces glutamic acid 4134 with lysine.
Molecular consequence: missense variant.
Genome position (GRCh38, 1-based): chr6:56,593,989, C>T on the plus strand (G>A on the coding strand, the complement: DST is on the minus strand). VCF-style: chr6-56593989-C-T. GRCh37 (hg19) VCF-style: chr6-56458787-C-T.
Other names: c.6043G>A, p.Glu2015Lys (NM_001144769.5); c.5629G>A, p.Glu1877Lys (NM_001144770.2); c.12400G>A, p.Glu4134Lys (NM_001374722.1); c.11767G>A, p.Glu3923Lys (NM_001374729.1); c.5509G>A, p.Glu1837Lys (NM_001374730.1, NM_001386100.1, NM_183380.4); c.12427G>A, p.Glu4143Lys (NM_001374734.1); c.4531G>A, p.Glu1511Lys (NM_015548.5); short protein forms E1511K, E2015K, E4143K, E4134K, E1837K, E1877K, E3923K.
Identifiers: ClinVar variation 1357632 (VCV001357632.6), dbSNP rs2152688788, ClinGen allele CA364526359.
Genomic context (GRCh38, chr6:56,593,989, plus strand): 5'-CTGACTGCTGTAGCCAGTGCTCAAACTCGGTATAGTCAGCATCAAACTTTTCTAATTCTT[C>T]CTGCAGAGAGTGAGTTAACTTCATTTTCTTCTCTGACTCAGCCAGTGCAGTTTCATAATG-3'
Protein context (NP_001361665.1, residues 4124-4144): KKMKLTHSLQ[Glu4134Lys]ELEKFDADYT